The following is an entry in ClinVar:

ClinVar aggregate classification (germline): Uncertain significance (1 of 4 stars; one submission).

Conditions:
Hypertrophic cardiomyopathy 19. Also called: Familial hypertrophic cardiomyopathy 19. Identifiers: MedGen CN077603, MONDO:0013476.

Allele frequency attached by ClinVar (database versions not stated): gnomAD 0.00001; TOPMed 0.00001.
gnomAD v4.1: 2 of 1,613,838 alleles (0.00012%); highest among the groups gnomAD compares: African/African-American, 0.0027%; no homozygotes.

Submission:

Labcorp Genetics (formerly Invitae), Labcorp
Classification: Uncertain significance for Hypertrophic cardiomyopathy 19. Last evaluated: 2021-04-08. Review status: criteria provided, single submitter. Criteria: Invitae Variant Classification Sherloc (09022015). Collection method: clinical testing. Allele origin: germline.
Comment: This variant is not present in population databases (ExAC no frequency). In summary, the available evidence is currently insufficient to determine the role of this variant in disease. Therefore, it has been classified as a Variant of Uncertain Significance. Algorithms developed to predict the effect of sequence changes on RNA splicing suggest that this variant may create or strengthen a splice site, but this prediction has not been confirmed by published transcriptional studies. Algorithms developed to predict the effect of missense changes on protein structure and function (SIFT, PolyPhen-2, Align-GVGD) all suggest that this variant is likely to be tolerated, but these predictions have not been confirmed by published functional studies and their clinical significance is uncertain. This variant has not been reported in the literature in individuals with CALR3-related conditions. This sequence change replaces aspartic acid with glycine at codon 321 of the CALR3 protein (p.Asp321Gly). The aspartic acid residue is moderately conserved and there is a moderate physicochemical difference between aspartic acid and glycine.

NM_145046.5(CALR3):c.962A>G (p.Asp321Gly)

Gene: CALR3 (calreticulin 3; minus strand). Cytogenetic location: 19p13.11.
Variant type: single nucleotide variant.
Coding change: c.962A>G on transcript NM_145046.5 (MANE Select); coding-DNA position 962, A replaced by G.
Protein change: p.Asp321Gly; replaces aspartic acid 321 with glycine.
Molecular consequence: missense variant.
Genome position (GRCh38, 1-based): chr19:16,480,663, T>C on the plus strand (A>G on the coding strand, the complement: CALR3 is on the minus strand). VCF-style: chr19-16480663-T-C. GRCh37 (hg19) VCF-style: chr19-16591474-T-C.
Other names: short protein forms D321G.
Identifiers: ClinVar variation 1480417 (VCV001480417.8), dbSNP rs985096797, ClinGen allele CA305979439.